The following is an entry in ClinVar:

NM_004393.6(DAG1):c.2116A>G (p.Thr706Ala)

Gene: DAG1 (dystroglycan 1; plus strand). Cytogenetic location: 3p21.31.
Variant type: single nucleotide variant.
Coding change: c.2116A>G on transcript NM_004393.6 (MANE Select); coding-DNA position 2116, A replaced by G.
Protein change: p.Thr706Ala; replaces threonine 706 with alanine.
Molecular consequence: missense variant.
Genome position (GRCh38, 1-based): chr3:49,532,627, A>G. VCF-style: chr3-49532627-A-G. GRCh37 (hg19) VCF-style: chr3-49570060-A-G.
Other names: c.2116A>G, p.Thr706Ala (NM_001165928.4, NM_001177634.3, NM_001177635.3 and 9 more transcripts); c.2116A>G (NM_004393.4); short protein forms T706A.
Identifiers: ClinVar variation 841444 (VCV000841444.5), dbSNP rs138386617, ClinGen allele CA2399209.
Genomic context (GRCh38, chr3:49,532,627, plus strand): 5'-GGAAAACCTCGGCCTGCCTTCTCCAACGCCCTAGAGCCTGACTTTAAGGCCACAAGCATC[A>G]CTGTGACGGGCTCTGGCAGTTGTCGGCACCTACAGTTTATCCCTGTGGTACCACCCAGGA-3'
Protein context (NP_004384.5, residues 696-716): LEPDFKATSI[Thr706Ala]VTGSGSCRHL

ClinVar aggregate classification (germline): Conflicting classifications of pathogenicity. Review status: criteria provided, conflicting classifications (1 of 4 stars). 2 submissions from 2 submitters: Uncertain significance (1); Likely benign (1). Last evaluated 2023-01-06.

Conditions:
Inborn genetic diseases. Identifiers: MedGen C0950123, MeSH D030342.
Muscular dystrophy-dystroglycanopathy (congenital with brain and eye anomalies), type A9. Also called: WALKER-WARBURG SYNDROME OR MUSCLE-EYE BRAIN DISEASE, DAG1-RELATED; Muscular dystrophy-dystroglycanopathy (congenital with brain and eye anomalies), type a, 9. Identifiers: Orphanet 370997, Orphanet 899, MedGen C4225291, MONDO:0014683, OMIM 616538.
Autosomal recessive limb-girdle muscular dystrophy type 2P. Also called: MUSCULAR DYSTROPHY-DYSTROGLYCANOPATHY, LIMB-GIRDLE, DAG1-RELATED; Limb-Girdle Muscular Dystrophy Type 9C; MUSCULAR DYSTROPHY, LIMB-GIRDLE, TYPE 2P. Identifiers: Orphanet 280333, MedGen C4511963, MONDO:0013440, OMIM 613818.

Allele frequency attached by ClinVar (database versions not stated): ExAC 0.00002; gnomAD 0.00002 and 0.00003; TOPMed 0.00003; gnomAD exomes 0.00004 and 0.00007; ESP Exome Variant Server 0.00015; 1000 Genomes Project 30x 0.00016; 1000 Genomes Project 0.00020.
gnomAD v4.1: 108 of 1,613,706 alleles (0.0067%); highest among the groups gnomAD compares: Non-Finnish European, 0.0086%; no homozygotes.

Submissions (2):

Ambry Genetics
Classification: Likely benign for Inborn genetic diseases. Last evaluated: 2023-01-06. Review status: criteria provided, single submitter. Criteria: Ambry Variant Classification Scheme 2023. Collection method: clinical testing. Allele origin: germline.

Labcorp Genetics (formerly Invitae), Labcorp
Classification: Uncertain significance for Autosomal recessive limb-girdle muscular dystrophy type 2P; Muscular dystrophy-dystroglycanopathy (congenital with brain and eye anomalies), type A9. Last evaluated: 2022-04-09. Review status: criteria provided, single submitter. Criteria: Invitae Variant Classification Sherloc (09022015). Collection method: clinical testing. Allele origin: germline.
Comment: This sequence change replaces threonine, which is neutral and polar, with alanine, which is neutral and non-polar, at codon 706 of the DAG1 protein (p.Thr706Ala). This variant is present in population databases (rs138386617, gnomAD 0.007%). This variant has not been reported in the literature in individuals affected with DAG1-related conditions. ClinVar contains an entry for this variant (Variation ID: 841444). Algorithms developed to predict the effect of missense changes on protein structure and function output the following: SIFT: "Tolerated"; PolyPhen-2: "Benign"; Align-GVGD: "Class C0". The alanine amino acid residue is found in multiple mammalian species, which suggests that this missense change does not adversely affect protein function. In summary, the available evidence is currently insufficient to determine the role of this variant in disease. Therefore, it has been classified as a Variant of Uncertain Significance.